The following is an entry in ClinVar:

ClinVar aggregate classification (germline): Uncertain significance. Review status: criteria provided, multiple submitters, no conflicts (2 of 4 stars). 2 submissions from 2 submitters: Uncertain significance (2). Last evaluated 2023-12-12.

Allele frequency attached by ClinVar (database versions not stated): gnomAD 0.00001; ExAC 0.00003.
gnomAD v4.1: 39 of 1,613,448 alleles (0.0024%); highest among the groups gnomAD compares: South Asian, 0.042%; no homozygotes.

Submissions (2):

Labcorp Genetics (formerly Invitae), Labcorp
Classification: Uncertain significance. Last evaluated: 2023-12-12. Review status: criteria provided, single submitter. Criteria: Invitae Variant Classification Sherloc (09022015). Collection method: clinical testing. Allele origin: germline.
Comment: This sequence change replaces glutamic acid, which is acidic and polar, with lysine, which is basic and polar, at codon 373 of the DNAJC21 protein (p.Glu373Lys). This variant is present in population databases (rs746681361, gnomAD 0.04%). This variant has not been reported in the literature in individuals affected with DNAJC21-related conditions. ClinVar contains an entry for this variant (Variation ID: 2173441). An algorithm developed to predict the effect of missense changes on protein structure and function (PolyPhen-2) suggests that this variant is likely to be disruptive. In summary, the available evidence is currently insufficient to determine the role of this variant in disease. Therefore, it has been classified as a Variant of Uncertain Significance.

Blueprint Genetics
Classification: Uncertain significance. Last evaluated: 2021-10-26. Review status: criteria provided, single submitter. Criteria: ACMG Guidelines, 2015. Collection method: clinical testing. Allele origin: germline.

NM_001012339.3(DNAJC21):c.1117G>A (p.Glu373Lys)

Gene: DNAJC21 (DnaJ heat shock protein family (Hsp40) member C21; plus strand). Cytogenetic location: 5p13.2.
Variant type: single nucleotide variant.
Coding change: c.1117G>A on transcript NM_001012339.3 (MANE Select); coding-DNA position 1117, G replaced by A.
Protein change: p.Glu373Lys; replaces glutamic acid 373 with lysine.
Molecular consequence: missense variant.
Genome position (GRCh38, 1-based): chr5:34,945,000, G>A. VCF-style: chr5-34945000-G-A. GRCh37 (hg19) VCF-style: chr5-34945105-G-A.
Other names: c.1117G>A, p.Glu373Lys (NM_001348420.2, NM_194283.4); short protein forms E373K.
Identifiers: ClinVar variation 2173441 (VCV002173441.3), dbSNP rs746681361, ClinGen allele CA3228696.
Genomic context (GRCh38, chr5:34,945,000, plus strand): 5'-GAAGAAAATTTTTCAAGACCTCAAATTGATGAAAATCCATTAGATGACAATTCTGAGGAA[G>A]AAATGGAAGATGCACCAAAACAAAAGTACTTCTAAATATTAAATGTCACTAGAAATACTT-3'
Protein context (NP_001012339.2, residues 363-383): ENPLDDNSEE[Glu373Lys]MEDAPKQKLS